The following is an entry in ClinVar:

NM_004329.3(BMPR1A):c.1473+1G>A

Gene: BMPR1A (bone morphogenetic protein receptor type 1A; plus strand). Cytogenetic location: 10q23.2.
Variant type: single nucleotide variant.
Coding change: c.1473+1G>A on transcript NM_004329.3 (MANE Select); the canonical splice donor site of the intron after coding-DNA position 1473, G replaced by A.
Molecular consequence: splice donor variant.
Genome position (GRCh38, 1-based): chr10:86,923,507, G>A. VCF-style: chr10-86923507-G-A. GRCh37 (hg19) VCF-style: chr10-88683264-G-A.
Other names: c.1473+1G>A (NM_001406562.1, NM_001406568.1, NM_001406567.1 and 19 more transcripts); c.1389+1G>A (NM_001406584.1, NM_001406588.1, NM_001406587.1 and 2 more transcripts); c.1521+1G>A (NM_001406560.1); c.1548+1G>A (NM_001406559.1); c.1467+1G>A (NM_001406583.1); c.1131+1G>A (NM_001406589.1).
Identifiers: ClinVar variation 819316 (VCV000819316.6), dbSNP rs1589293533, ClinGen allele CA377463279.

ClinVar aggregate classification (germline): Pathogenic/Likely pathogenic. Review status: criteria provided, multiple submitters, no conflicts (2 of 4 stars). 2 submissions from 2 submitters: Pathogenic (1); Likely pathogenic (1). Last evaluated 2024-08-31.

Conditions:
Juvenile polyposis syndrome (JPS). Identifiers: Orphanet 2929, MedGen C0345893, MONDO:0017380, OMIM 174900.
Hereditary cancer-predisposing syndrome. Also called: Hereditary Cancer Syndrome; Neoplastic Syndromes, Hereditary; Hereditary neoplastic syndrome; Tumor predisposition. Identifiers: Orphanet 140162, MedGen C0027672, MeSH D009386, MONDO:0015356.

Submissions (2):

Labcorp Genetics (formerly Invitae), Labcorp
Classification: Pathogenic for Juvenile polyposis syndrome. Last evaluated: 2024-08-31. Review status: criteria provided, single submitter. Criteria: Invitae Variant Classification Sherloc (09022015). Collection method: clinical testing. Allele origin: germline.
Comment: This sequence change affects a donor splice site in intron 12 of the BMPR1A gene. While this variant is not anticipated to result in nonsense mediated decay, it likely alters RNA splicing and results in a disrupted protein product. This variant is not present in population databases (gnomAD no frequency). This variant has not been reported in the literature in individuals affected with BMPR1A-related conditions. ClinVar contains an entry for this variant (Variation ID: 819316). Variants that disrupt the consensus splice site are a relatively common cause of aberrant splicing (PMID: 17576681, 9536098). Algorithms developed to predict the effect of sequence changes on RNA splicing suggest that this variant may disrupt the consensus splice site. This variant disrupts a region of the BMPR1A protein in which other variant(s) (p.Trp504*) have been determined to be pathogenic (internal data). This suggests that this is a clinically significant region of the protein, and that variants that disrupt it are likely to be disease-causing. For these reasons, this variant has been classified as Pathogenic.

Ambry Genetics
Classification: Likely pathogenic for Hereditary cancer-predisposing syndrome. Last evaluated: 2021-06-15. Review status: criteria provided, single submitter. Criteria: Ambry Variant Classification Scheme 2023. Collection method: clinical testing. Allele origin: germline.
Comment: The c.1473+1G>A intronic variant results from a G to A substitution one nucleotide after coding exon 10 of the BMPR1A gene. This alteration occurs at the 3' terminus of the BMPR1A gene, is not expected to trigger nonsense-mediated mRNA decay, and only impacts the last 11% of the protein. The exact functional effect of this alteration is unknown; however, a significant portion of the protein is affected (Ambry internal data). This variant is considered to be rare based on population cohorts in the Genome Aggregation Database (gnomAD). This nucleotide position is highly conserved in available vertebrate species. In silico splice site analysis predicts that this alteration will weaken the native splice donor site. Based on the majority of available evidence to date, this variant is likely to be pathogenic.

Literature cited by the submitters: PubMed 17576681 (cited by Labcorp Genetics (formerly Invitae), Labcorp); PubMed 9536098 (cited by Labcorp Genetics (formerly Invitae), Labcorp).